The following is an entry in ClinVar:

NM_000719.7(CACNA1C):c.396_399del (p.Thr133fs)

Gene: CACNA1C (calcium voltage-gated channel subunit alpha1 C; plus strand). Cytogenetic location: 12p13.33.
Variant type: Deletion.
Coding change: c.396_399del on transcript NM_000719.7 (MANE Select); coding-DNA positions 396 to 399, 4 bases deleted (GACT; older notation c.396_399delGACT).
Protein change: p.Thr133fs; shifts the reading frame from threonine 133.
Molecular consequence: frameshift variant.
Genome position (GRCh38, 1-based): chr12:2,120,349-2,120,352, GACT deleted; deleting any 4 consecutive bases within chr12:2,120,346-2,120,352 gives the same sequence; the c. name uses the placement nearest the transcript's 3' end. VCF-style (leftmost placement, unchanged base first): chr12-2120345-TACTG-T. GRCh37 (hg19) VCF-style: chr12-2229511-TACTG-T.
Other names: c.396_399del, p.Thr133fs (NM_001129827.2, NM_001129829.2, NM_001129830.3 and 19 more transcripts); short protein forms T133fs.
Identifiers: ClinVar variation 3483966 (VCV003483966.1).

ClinVar aggregate classification (germline): Pathogenic (1 of 4 stars; one submission).

Conditions:
Cardiovascular phenotype. Identifiers: MedGen CN230736.

Submission:

Ambry Genetics
Classification: Pathogenic for Cardiovascular phenotype. Last evaluated: 2024-08-01. Review status: criteria provided, single submitter. Criteria: Ambry Variant Classification Scheme 2023. Collection method: clinical testing. Allele origin: germline.
Comment: The c.396_399delGACT (p.T133Ffs*8) alteration, located in exon 3 (coding exon 3) of the CACNA1C gene, consists of a deletion of 4 nucleotides from position 396 to 399, causing a translational frameshift with a predicted alternate stop codon after 8 amino acids. This alteration is expected to result in loss of function by premature protein truncation or nonsense-mediated mRNA decay. for CACNA1C-related neurodevelopmental disorder; however, it is unlikely to be causative of CACNA1C-related long QT syndrome/Timothy syndrome This variant was not reported in population-based cohorts in the Genome Aggregation Database (gnomAD). Based on the available evidence, this alteration is classified as pathogenic.